The following is an entry in ClinVar:

ClinVar aggregate classification (germline): Pathogenic. Review status: criteria provided, multiple submitters, no conflicts (2 of 4 stars). 3 submissions from 3 submitters: Pathogenic (2). 1 of the submissions does not count toward it. Last evaluated 2025-02-12.

Conditions:
Familial thoracic aortic aneurysm and aortic dissection (TAAD). Also called: Thoracic aortic aneurysms and dissections. Identifiers: Orphanet 91387, MedGen C4707243, MONDO:0019625.
Marfan syndrome (MFS). Also called: Marfan syndrome type 1; Marfan syndrome, classic; Marfan's syndrome; FBN1-Related Marfan Syndrome; MARFAN SYNDROME, TYPE I. Identifiers: Orphanet 284963, Orphanet 558, MedGen C0024796, MONDO:0007947, OMIM 154700.

Submissions (3):

3billion
Classification: Pathogenic for Marfan syndrome. Last evaluated: 2025-02-12. Review status: criteria provided, single submitter. Criteria: ACMG Guidelines, 2015. Collection method: clinical testing. Allele origin: germline. Affected: yes.
Comment: The variant is not observed in the gnomAD v4.1.0 dataset. Predicted Consequence/Location: Canonical splice site: predicted to alter splicing and result in a loss or disruption of normal protein function. Multiple pathogenic loss-of-function variants are reported downstream of the variant. In silico tools predict the variant to alter splicing and produce an abnormal transcript [SpliceAI: 1.00 (spliceogenicity >=0.2, non-spliceogenicity <0.1)]. The variant has been reported at least twice as pathogenic without evidence for the classification (ClinVar ID: VCV000549222 /PMID: 27906200). Therefore, this variant is classified as Pathogenic according to the recommendation of ACMG/AMP guideline.

Labcorp Genetics (formerly Invitae), Labcorp
Classification: Pathogenic for Marfan syndrome; Familial thoracic aortic aneurysm and aortic dissection. Last evaluated: 2022-02-28. Review status: criteria provided, single submitter. Criteria: Invitae Variant Classification Sherloc (09022015). Collection method: clinical testing. Allele origin: germline.
Comment: For these reasons, this variant has been classified as Pathogenic. Studies have shown that disruption of this splice site results in deletion of 11 nucleotides of exon 36 and introduces a premature termination codon (PMID: 21907952). The resulting mRNA is expected to undergo nonsense-mediated decay. ClinVar contains an entry for this variant (Variation ID: 549222). Disruption of this splice site has been observed in individuals with Marfan syndrome (PMID: 17657824, 21907952, 27906200). This variant is not present in population databases (gnomAD no frequency). This sequence change affects an acceptor splice site in intron 35 of the FBN1 gene. RNA analysis indicates that disruption of this splice site induces altered splicing and may result in an absent or disrupted protein product.

Center for Medical Genetics Ghent, University of Ghent
Classification: Pathogenic for Marfan syndrome. Last evaluated: 2017-11-07. Review status: no assertion criteria provided. Collection method: clinical testing. Allele origin: germline. Affected: yes. Not counted in ClinVar's aggregate classification.

Literature cited by the submitters: PubMed 27906200 (cited by 3billion and Labcorp Genetics (formerly Invitae), Labcorp); PubMed 21907952 (cited by Labcorp Genetics (formerly Invitae), Labcorp); PubMed 17657824 (cited by Labcorp Genetics (formerly Invitae), Labcorp).

NM_000138.5(FBN1):c.4337-1G>T

Gene: FBN1 (fibrillin 1; minus strand). Cytogenetic location: 15q21.1.
Variant type: single nucleotide variant.
Coding change: c.4337-1G>T on transcript NM_000138.5 (MANE Select); the canonical splice acceptor site of the intron before coding-DNA position 4337, G replaced by T.
Molecular consequence: splice acceptor variant.
Genome position (GRCh38, 1-based): chr15:48,470,757, C>A on the plus strand (G>T on the coding strand, the complement: FBN1 is on the minus strand). VCF-style: chr15-48470757-C-A. GRCh37 (hg19) VCF-style: chr15-48762954-C-A.
Other names: c.4337-1G>T (NM_001406716.1).
Identifiers: ClinVar variation 549222 (VCV000549222.10), dbSNP rs1555397424, ClinGen allele CA346350.
Genomic context (GRCh38, chr15:48,470,757, plus strand): 5'-CAGGGAGGTTGTGGCAAGTTCCAAAGACACAGATGTTCGGAAGGGAGCACTCATCAATAT[C>A]TTGGGGGGAGGGAGAAAAAAGCAAAAAACTTAACTTATATTTTTCTAAAAAAAACCTGCC-3'